The following is an entry in ClinVar:

NM_001130009.3(GEN1):c.796C>T (p.His266Tyr)

Gene: GEN1 (GEN1 structure-specific endonuclease; plus strand). Cytogenetic location: 2p24.2.
Variant type: single nucleotide variant.
Coding change: c.796C>T on transcript NM_001130009.3 (MANE Select); coding-DNA position 796, C replaced by T.
Protein change: p.His266Tyr; replaces histidine 266 with tyrosine.
Molecular consequence: missense variant.
Genome position (GRCh38, 1-based): chr2:17,771,281, C>T. VCF-style: chr2-17771281-C-T. GRCh37 (hg19) VCF-style: chr2-17952548-C-T.
Other names: c.796C>T, p.His266Tyr (NM_182625.5); short protein forms H266Y.
Identifiers: ClinVar variation 2820823 (VCV002820823.3), dbSNP rs1672178591, ClinGen allele CA345915298.
Genomic context (GRCh38, chr2:17,771,281, plus strand): 5'-TGTAACTCTAGTCCACAACTGCTAGTCACTAAAAAACTGGCTCATTGTTCCGTATGTTCC[C>T]ATCCAGGTAAGGAGACATAGGGAATGGTTATTAGTATCTCATACCCATGTTTTAATTCTT-3'
Protein context (NP_001123481.3, residues 256-276): KKLAHCSVCS[His266Tyr]PGSPKDHERN

ClinVar aggregate classification (germline): Uncertain significance (1 of 4 stars; one submission).

Submission:

Labcorp Genetics (formerly Invitae), Labcorp
Classification: Uncertain significance. Last evaluated: 2022-12-14. Review status: criteria provided, single submitter. Criteria: Invitae Variant Classification Sherloc (09022015). Collection method: clinical testing. Allele origin: germline.
Comment: This sequence change replaces histidine, which is basic and polar, with tyrosine, which is neutral and polar, at codon 266 of the GEN1 protein (p.His266Tyr). This variant is not present in population databases (gnomAD no frequency). This variant has not been reported in the literature in individuals affected with GEN1-related conditions. Algorithms developed to predict the effect of missense changes on protein structure and function are either unavailable or do not agree on the potential impact of this missense change (SIFT: "Deleterious"; PolyPhen-2: "Probably Damaging"; Align-GVGD: "Class C0"). In summary, the available evidence is currently insufficient to determine the role of this variant in disease. Therefore, it has been classified as a Variant of Uncertain Significance.